The following is an entry in ClinVar:

NM_004360.5(CDH1):c.1432C>G (p.Leu478Val)

Gene: CDH1 (cadherin 1; plus strand). Cytogenetic location: 16q22.1.
Variant type: single nucleotide variant.
Coding change: c.1432C>G on transcript NM_004360.5 (MANE Select); coding-DNA position 1432, C replaced by G.
Protein change: p.Leu478Val; replaces leucine 478 with valine.
Molecular consequence: missense variant. On other transcripts: 5 prime UTR variant (2).
Genome position (GRCh38, 1-based): chr16:68,815,626, C>G. VCF-style: chr16-68815626-C-G. GRCh37 (hg19) VCF-style: chr16-68849529-C-G.
Other names: c.1249C>G, p.Leu417Val (NM_001317184.2); c.-117C>G (NM_001317185.2); c.-388C>G (NM_001317186.2); short protein forms L417V, L478V.
Identifiers: ClinVar variation 1772528 (VCV001772528.2), dbSNP rs2152134906, ClinGen allele CA396463005.

ClinVar aggregate classification (germline): Uncertain significance (1 of 4 stars; one submission).

Conditions:
Hereditary cancer-predisposing syndrome. Also called: Hereditary Cancer Syndrome; Hereditary neoplastic syndrome; Neoplastic Syndromes, Hereditary; Tumor predisposition. Identifiers: Orphanet 140162, MedGen C0027672, MeSH D009386, MONDO:0015356.

Submission:

Ambry Genetics
Classification: Uncertain significance for Hereditary cancer-predisposing syndrome. Last evaluated: 2022-03-01. Review status: criteria provided, single submitter. Criteria: Ambry Variant Classification Scheme 2023. Collection method: clinical testing. Allele origin: germline.
Comment: The p.L478V variant (also known as c.1432C>G), located in coding exon 10 of the CDH1 gene, results from a C to G substitution at nucleotide position 1432. The leucine at codon 478 is replaced by valine, an amino acid with highly similar properties. This amino acid position is conserved. In addition, this alteration is predicted to be tolerated by in silico analysis. Since supporting evidence is limited at this time, the clinical significance of this alteration remains unclear.